The following is an entry in ClinVar:

ClinVar aggregate classification (germline): Uncertain significance (1 of 4 stars; one submission).

Conditions:
Inborn genetic diseases. Identifiers: MedGen C0950123, MeSH D030342.

Allele frequency attached by ClinVar (database versions not stated): TOPMed below 0.00001; gnomAD exomes 0.00001.
gnomAD v4.1: 11 of 1,613,624 alleles (0.00068%); highest among the groups gnomAD compares: Non-Finnish European, 0.00093%; no homozygotes.

Submission:

Ambry Genetics
Classification: Uncertain significance for Inborn genetic diseases. Last evaluated: 2021-05-18. Review status: criteria provided, single submitter. Criteria: Ambry Variant Classification Scheme 2023. Collection method: clinical testing. Allele origin: germline.
Comment: The c.722A>G (p.Y241C) alteration is located in exon 6 (coding exon 6) of the NDUFA10 gene. This alteration results from a A to G substitution at nucleotide position 722, causing the tyrosine (Y) at amino acid position 241 to be replaced by a cysteine (C). The p.Y241C alteration is predicted to be deleterious by in silico analysis. Based on insufficient or conflicting evidence, the clinical significance of this alteration remains unclear.

NM_004544.4(NDUFA10):c.722A>G (p.Tyr241Cys)

Gene: NDUFA10 (NADH:ubiquinone oxidoreductase subunit A10; minus strand). Cytogenetic location: 2q37.3.
Variant type: single nucleotide variant.
Coding change: c.722A>G on transcript NM_004544.4 (MANE Select); coding-DNA position 722, A replaced by G.
Protein change: p.Tyr241Cys; replaces tyrosine 241 with cysteine.
Molecular consequence: missense variant. On other transcripts: non-coding transcript variant (4).
Genome position (GRCh38, 1-based): chr2:240,011,644, T>C on the plus strand (A>G on the coding strand, the complement: NDUFA10 is on the minus strand). VCF-style: chr2-240011644-T-C. GRCh37 (hg19) VCF-style: chr2-240951061-T-C.
Other names: c.722A>G, p.Tyr241Cys (NM_001322019.2, NM_001322020.2, NM_001410987.1); short protein forms Y241C.
Identifiers: ClinVar variation 2230576 (VCV002230576.2), dbSNP rs200321775, ClinGen allele CA68059759.